The following is an entry in ClinVar:

NM_005732.4(RAD50):c.1811C>T (p.Ser604Phe)

Gene: RAD50 (RAD50 double strand break repair protein; plus strand). Cytogenetic location: 5q31.1.
Variant type: single nucleotide variant.
Coding change: c.1811C>T on transcript NM_005732.4 (MANE Select); coding-DNA position 1811, C replaced by T.
Protein change: p.Ser604Phe; replaces serine 604 with phenylalanine.
Molecular consequence: missense variant.
Genome position (GRCh38, 1-based): chr5:132,594,886, C>T. VCF-style: chr5-132594886-C-T. GRCh37 (hg19) VCF-style: chr5-131930578-C-T.
Other names: short protein forms S604F.
Identifiers: ClinVar variation 948121 (VCV000948121.12), dbSNP rs1750760861, ClinGen allele CA360947444.

ClinVar aggregate classification (germline): Uncertain significance. Review status: criteria provided, multiple submitters, no conflicts (2 of 4 stars). 2 submissions from 2 submitters: Uncertain significance (2). Last evaluated 2024-01-14.

Conditions:
Hereditary cancer-predisposing syndrome. Also called: Hereditary neoplastic syndrome; Neoplastic Syndromes, Hereditary; Tumor predisposition; Hereditary Cancer Syndrome. Identifiers: Orphanet 140162, MedGen C0027672, MeSH D009386, MONDO:0015356.

Allele frequency attached by ClinVar (database versions not stated): gnomAD exomes below 0.00001.
gnomAD v4.1: 1 of 1,603,738 alleles (0.000062%); highest among the groups gnomAD compares: Non-Finnish European, 0.000085%; no homozygotes.

Submissions (2):

Ambry Genetics
Classification: Uncertain significance for Hereditary cancer-predisposing syndrome. Last evaluated: 2024-01-14. Review status: criteria provided, single submitter. Criteria: Ambry Variant Classification Scheme 2023. Collection method: clinical testing. Allele origin: germline.
Comment: The p.S604F variant (also known as c.1811C>T), located in coding exon 12 of the RAD50 gene, results from a C to T substitution at nucleotide position 1811. The serine at codon 604 is replaced by phenylalanine, an amino acid with highly dissimilar properties. This amino acid position is conserved. In addition, this alteration is predicted to be tolerated by in silico analysis. Since supporting evidence is limited at this time, the clinical significance of this alteration remains unclear.

Labcorp Genetics (formerly Invitae), Labcorp
Classification: Uncertain significance for Hereditary cancer-predisposing syndrome. Last evaluated: 2019-05-20. Review status: criteria provided, single submitter. Criteria: Invitae Variant Classification Sherloc (09022015). Collection method: clinical testing. Allele origin: germline.
Comment: In summary, the available evidence is currently insufficient to determine the role of this variant in disease. Therefore, it has been classified as a Variant of Uncertain Significance. Algorithms developed to predict the effect of missense changes on protein structure and function (SIFT, PolyPhen-2, Align-GVGD) all suggest that this variant is likely to be tolerated, but these predictions have not been confirmed by published functional studies and their clinical significance is uncertain. This variant has not been reported in the literature in individuals with RAD50-related conditions. This variant is not present in population databases (ExAC no frequency). This sequence change replaces serine with phenylalanine at codon 604 of the RAD50 protein (p.Ser604Phe). The serine residue is weakly conserved and there is a large physicochemical difference between serine and phenylalanine.